The following is an entry in ClinVar:

ClinVar aggregate classification (germline): Benign. Review status: criteria provided, multiple submitters, no conflicts (2 of 4 stars). 10 submissions from 8 submitters: Benign (10). Last evaluated 2026-02-04.

Conditions:
Schwartz-Jampel syndrome. Also called: Myotonic myopathy dwarfism chondrodystrophy and ocular and facial abnormalities. Identifiers: Orphanet 800, MedGen C0036391, MONDO:0009717.
Lethal Kniest-like syndrome (DDSH). Also called: Dyssegmental Dysplasia. Identifiers: Orphanet 1865, MedGen C1857100, MONDO:0009140, OMIM 224410.

Allele frequency attached by ClinVar (database versions not stated): 1000 Genomes Project 30x 0.42395; 1000 Genomes Project 0.42492; TOPMed 0.48847; gnomAD 0.50526 and 0.50711; ESP Exome Variant Server 0.52469; gnomAD exomes 0.55580 and 0.60239; ExAC 0.60665.
gnomAD v4.1: 952,751 of 1,607,180 alleles (59%); highest among the groups gnomAD compares: Middle Eastern, 63%; 289,523 homozygotes.

Submissions (10):

Labcorp Genetics (formerly Invitae), Labcorp
Classification: Benign. Last evaluated: 2026-02-04. Review status: criteria provided, single submitter. Criteria: Invitae Variant Classification Sherloc (09022015). Collection method: clinical testing. Allele origin: germline.

Blueprint Genetics
Classification: Benign. Last evaluated: 2024-11-26. Review status: criteria provided, single submitter. Criteria: ACMG Guidelines, 2015. Collection method: clinical testing. Allele origin: germline.

Genome-Nilou Lab
Classification: Benign for Lethal Kniest-like syndrome. Last evaluated: 2021-08-10. Review status: criteria provided, single submitter. Criteria: ACMG Guidelines, 2015. Collection method: clinical testing. Allele origin: germline. Affected: no.

Genome-Nilou Lab
Classification: Benign for Schwartz-Jampel syndrome type 1. Last evaluated: 2021-08-10. Review status: criteria provided, single submitter. Criteria: ACMG Guidelines, 2015. Collection method: clinical testing. Allele origin: germline. Affected: no.

Athena Diagnostics
Classification: Benign. Last evaluated: 2019-01-28. Review status: criteria provided, single submitter. Criteria: Athena Diagnostics Criteria. Collection method: clinical testing. Allele origin: germline.

GeneDx
Classification: Benign. Last evaluated: 2018-08-09. Review status: criteria provided, single submitter. Criteria: GeneDx Variant Classification Process June 2021. Collection method: clinical testing. Allele origin: germline. Affected: yes.

Illumina Laboratory Services, Illumina
Classification: Benign for Schwartz-Jampel syndrome type 1. Last evaluated: 2018-01-12. Review status: criteria provided, single submitter. Criteria: ICSL Variant Classification Criteria 13 December 2019. Collection method: clinical testing. Allele origin: germline.
Comment: This variant was observed in the ICSL laboratory as part of a predisposition screen in an ostensibly healthy population. It had not been previously curated by ICSL or reported in the Human Gene Mutation Database (HGMD: prior to June 1st, 2018), and was therefore a candidate for classification through an automated scoring system. Utilizing variant allele frequency, disease prevalence and penetrance estimates, and inheritance mode, an automated score was calculated to assess if this variant is too frequent to cause the disease. Based on the score and internal cut-off values, a variant classified as benign is not then subjected to further curation. The score for this variant resulted in a classification of benign for this disease.

Illumina Laboratory Services, Illumina
Classification: Benign for Lethal Kniest-like syndrome. Last evaluated: 2018-01-12. Review status: criteria provided, single submitter. Criteria: ICSL Variant Classification Criteria 13 December 2019. Collection method: clinical testing. Allele origin: germline.
Comment: the same text as in the submission from Illumina Laboratory Services, Illumina above.

Eurofins Ntd Llc (ga)
Classification: Benign. Last evaluated: 2016-01-08. Review status: criteria provided, single submitter. Criteria: EGL Classification Definitions 2015. Collection method: clinical testing. Allele origin: germline. Observed: 4 variant alleles, 2 heterozygotes, 2 homozygotes.

Breakthrough Genomics
Classification: Benign. Review status: criteria provided, single submitter. Criteria: ACMG Guidelines, 2015. Collection method: not provided. Allele origin: germline. Inheritance: Autosomal recessive inheritance. Affected: yes.

NM_005529.7(HSPG2):c.3897G>A (p.Val1299=)

Gene: HSPG2 (heparan sulfate proteoglycan 2; minus strand). Cytogenetic location: 1p36.12.
Variant type: single nucleotide variant.
Coding change: c.3897G>A on transcript NM_005529.7 (MANE Select); coding-DNA position 3897, G replaced by A.
Protein change: p.Val1299=; no amino-acid change (valine 1299 retained).
Molecular consequence: synonymous variant.
Genome position (GRCh38, 1-based): chr1:21,872,752, C>T on the plus strand (G>A on the coding strand, the complement: HSPG2 is on the minus strand). VCF-style: chr1-21872752-C-T. GRCh37 (hg19) VCF-style: chr1-22199245-C-T.
Other names: c.3900G>A, p.Val1300= (NM_001291860.2).
Identifiers: ClinVar variation 285755 (VCV000285755.23), dbSNP rs2229482, ClinGen allele CA672421.